The following is an entry in ClinVar:

ClinVar aggregate classification (germline): Pathogenic. Review status: criteria provided, multiple submitters, no conflicts (2 of 4 stars). 2 submissions from 2 submitters: Pathogenic (2). Last evaluated 2024-08-08.

Conditions:
Cardiovascular phenotype. Identifiers: MedGen CN230736.
Arrhythmogenic cardiomyopathy with wooly hair and keratoderma. Also called: PALMOPLANTAR KERATODERMA WITH LEFT VENTRICULAR CARDIOMYOPATHY AND WOOLLY HAIR; Carvajal syndrome; Dilated cardiomyopathy with woolly hair and keratoderma; Arrhythmogenic cardiomyopathy with woolly hair and keratoderma. Identifiers: Orphanet 65282, MedGen C1854063, MONDO:0011581, OMIM 605676.
Arrhythmogenic right ventricular dysplasia 8 (ARVD8). Also called: Arrhythmogenic Right Ventricular Dysplasia/Cardiomyopathy 8; ARRHYTHMOGENIC RIGHT VENTRICULAR DYSPLASIA, FAMILIAL, 8; ARRHYTHMOGENIC RIGHT VENTRICULAR CARDIOMYOPATHY 8. Identifiers: MedGen C1843896, MONDO:0011831, OMIM 607450.

Submissions (2):

Labcorp Genetics (formerly Invitae), Labcorp
Classification: Pathogenic for Arrhythmogenic cardiomyopathy with wooly hair and keratoderma; Arrhythmogenic right ventricular dysplasia 8. Last evaluated: 2024-08-08. Review status: criteria provided, single submitter. Criteria: Invitae Variant Classification Sherloc (09022015). Collection method: clinical testing. Allele origin: germline.
Comment: This sequence change creates a premature translational stop signal (p.Glu348*) in the DSP gene. It is expected to result in an absent or disrupted protein product. Loss-of-function variants in DSP are known to be pathogenic (PMID: 20716751, 24503780, 25227139). This variant is not present in population databases (gnomAD no frequency). This variant has not been reported in the literature in individuals affected with DSP-related conditions. For these reasons, this variant has been classified as Pathogenic.

Ambry Genetics
Classification: Pathogenic for Cardiovascular phenotype. Last evaluated: 2024-06-20. Review status: criteria provided, single submitter. Criteria: Ambry Variant Classification Scheme 2023. Collection method: clinical testing. Allele origin: germline.
Comment: The p.E348* variant (also known as c.1042G>T), located in coding exon 8 of the DSP gene, results from a G to T substitution at nucleotide position 1042. This changes the amino acid from a glutamic acid to a stop codon within coding exon 8. Alterations in DSP that result in haploinsufficiency or protein truncation have been reported in patients with arrhythmogenic right ventricular cardiomyopathy (ARVC) and dilated cardiomyopathy (DCM) (Fressart V et al. Europace. 2010;12(6):861-8; Elliott P et al. Circ Cardiovasc Genet. 2010;3(4):314-22; Quarta G et al. Circulation. 2011;123(23):2701-9; Garcia-Pavia P et al. Heart. 2011;97(21):1744-52; Rasmussen TB et al. Clin Genet. 2013;84(1):20-30; Pugh TJ et al. Genet Med. 2014;16(8):601-8). This variant is considered to be rare based on population cohorts in the Genome Aggregation Database (gnomAD). This alteration is expected to result in loss of function by premature protein truncation or nonsense-mediated mRNA decay. Based on the supporting evidence, this variant is interpreted as a disease-causing mutation.

Literature cited by the submitters: PubMed 20716751 (cited by Labcorp Genetics (formerly Invitae), Labcorp); PubMed 24503780 (cited by Labcorp Genetics (formerly Invitae), Labcorp); PubMed 25227139 (cited by Labcorp Genetics (formerly Invitae), Labcorp).

NM_004415.4(DSP):c.1042G>T (p.Glu348Ter)

Gene: DSP (desmoplakin; plus strand). Cytogenetic location: 6p24.3.
Variant type: single nucleotide variant.
Coding change: c.1042G>T on transcript NM_004415.4 (MANE Select); coding-DNA position 1042, G replaced by T.
Protein change: p.Glu348Ter; replaces glutamic acid 348 with a stop codon.
Molecular consequence: nonsense.
Genome position (GRCh38, 1-based): chr6:7,566,479, G>T. VCF-style: chr6-7566479-G-T. GRCh37 (hg19) VCF-style: chr6-7566712-G-T.
Other names: c.1042G>T, p.Glu348Ter (NM_001008844.3, NM_001319034.2, NM_001406591.1); short protein forms E348*.
Identifiers: ClinVar variation 2952259 (VCV002952259.4), dbSNP rs2533876551, ClinGen allele CA362674989.